The following is an entry in ClinVar:

ClinVar aggregate classification (germline): Uncertain significance (1 of 4 stars; one submission).

Conditions:
Hypophosphatasia. Also called: Phosphoethanol-aminuria. Identifiers: Orphanet 436, MedGen C0020630, MeSH D007014, MONDO:0018570.

Submission:

Genomenon, Inc
Classification: Uncertain significance for Hypophosphatasia. Last evaluated: 2025-08-29. Review status: criteria provided, single submitter. Criteria: Genomenon Sequence Variant Interpretation Standards. Collection method: curation. Allele origin: germline. Affected: yes.
Comment: ALPL Ala488Gly (c.1463C>G) is a missense variant that changes the amino acid at residue 488 from Alanine to Glycine. This variant has been observed in a proband affected with hypophosphatasia (PMID:33777089). It is absent or not present at a significant frequency in gnomAD. In conclusion, we classify ALPL p.Ala488Gly (c.1463C>G) as a variant of unknown significance.

Literature cited by the submitters: PubMed 33777089.

NM_000478.6(ALPL):c.1463C>G (p.Ala488Gly)

Gene: ALPL (alkaline phosphatase, biomineralization associated; plus strand). Cytogenetic location: 1p36.12.
Variant type: single nucleotide variant.
Coding change: c.1463C>G on transcript NM_000478.6 (MANE Select); coding-DNA position 1463, C replaced by G.
Protein change: p.Ala488Gly; replaces alanine 488 with glycine.
Molecular consequence: missense variant.
Genome position (GRCh38, 1-based): chr1:21,577,536, C>G. VCF-style: chr1-21577536-C-G. GRCh37 (hg19) VCF-style: chr1-21904029-C-G.
Other names: c.1298C>G, p.Ala433Gly (NM_001127501.4); c.1232C>G, p.Ala411Gly (NM_001177520.3); c.1463C>G, p.Ala488Gly (NM_001369803.2, NM_001369804.2, NM_001369805.2); short protein forms A411G, A433G, A488G.
Identifiers: ClinVar variation 4086905 (VCV004086905.1).